The following is an entry in ClinVar:

NM_032444.4(SLX4):c.5308G>A (p.Val1770Met)

Gene: SLX4 (SLX4 structure-specific endonuclease subunit; minus strand). Cytogenetic location: 16p13.3.
Variant type: single nucleotide variant.
Coding change: c.5308G>A on transcript NM_032444.4 (MANE Select); coding-DNA position 5308, G replaced by A.
Protein change: p.Val1770Met; replaces valine 1770 with methionine.
Molecular consequence: missense variant.
Genome position (GRCh38, 1-based): chr16:3,582,539, C>T on the plus strand (G>A on the coding strand, the complement: SLX4 is on the minus strand). VCF-style: chr16-3582539-C-T. GRCh37 (hg19) VCF-style: chr16-3632540-C-T.
Other names: short protein forms V1770M.
Identifiers: ClinVar variation 2073519 (VCV002073519.1), dbSNP rs770569508, ClinGen allele CA7865343.

ClinVar aggregate classification (germline): Uncertain significance (1 of 4 stars; one submission).

Conditions:
Fanconi anemia (FA). Also called: Fanconi's anemia. Identifiers: Orphanet 84, MedGen C0015625, MeSH D005199, MONDO:0019391.

Allele frequency attached by ClinVar (database versions not stated): gnomAD exomes below 0.00001; ExAC 0.00001.
gnomAD v4.1: 3 of 1,613,984 alleles (0.00019%); highest among the groups gnomAD compares: Admixed American, 0.005%; no homozygotes.

Submission:

Labcorp Genetics (formerly Invitae), Labcorp
Classification: Uncertain significance for Fanconi anemia. Last evaluated: 2022-04-13. Review status: criteria provided, single submitter. Criteria: Invitae Variant Classification Sherloc (09022015). Collection method: clinical testing. Allele origin: germline.
Comment: This sequence change replaces valine, which is neutral and non-polar, with methionine, which is neutral and non-polar, at codon 1770 of the SLX4 protein (p.Val1770Met). This variant is present in population databases (rs770569508, gnomAD 0.006%). This variant has not been reported in the literature in individuals affected with SLX4-related conditions. Algorithms developed to predict the effect of missense changes on protein structure and function are either unavailable or do not agree on the potential impact of this missense change (SIFT: "Deleterious"; PolyPhen-2: "Possibly Damaging"; Align-GVGD: "Class C0"). In summary, the available evidence is currently insufficient to determine the role of this variant in disease. Therefore, it has been classified as a Variant of Uncertain Significance.